The following is an entry in ClinVar:

ClinVar aggregate classification (germline): Conflicting classifications of pathogenicity. Review status: criteria provided, conflicting classifications (1 of 4 stars). 2 submissions from 2 submitters: Uncertain significance (1); Likely benign (1). Last evaluated 2024-12-04.

Conditions:
Inborn genetic diseases. Identifiers: MedGen C0950123, MeSH D030342.

Allele frequency attached by ClinVar (database versions not stated): gnomAD exomes 0.00001; ExAC 0.00002; TOPMed 0.00002.
gnomAD v4.1: 7 of 1,612,498 alleles (0.00043%); highest among the groups gnomAD compares: Admixed American, 0.0067%; no homozygotes.

Submissions (2):

Ambry Genetics
Classification: Likely benign for Inborn genetic diseases. Last evaluated: 2024-12-04. Review status: criteria provided, single submitter. Criteria: Ambry Variant Classification Scheme 2023. Collection method: clinical testing. Allele origin: germline.

Labcorp Genetics (formerly Invitae), Labcorp
Classification: Uncertain significance. Last evaluated: 2023-01-10. Review status: criteria provided, single submitter. Criteria: Invitae Variant Classification Sherloc (09022015). Collection method: clinical testing. Allele origin: germline.
Comment: In summary, the available evidence is currently insufficient to determine the role of this variant in disease. Therefore, it has been classified as a Variant of Uncertain Significance. Algorithms developed to predict the effect of missense changes on protein structure and function output the following: SIFT: "Tolerated"; PolyPhen-2: "Benign"; Align-GVGD: "Class C0". The glutamine amino acid residue is found in multiple mammalian species, which suggests that this missense change does not adversely affect protein function. This variant has not been reported in the literature in individuals affected with ANKRD26-related conditions. This variant is present in population databases (rs768114082, gnomAD 0.01%). This sequence change replaces arginine, which is basic and polar, with glutamine, which is neutral and polar, at codon 1276 of the ANKRD26 protein (p.Arg1276Gln).

NM_014915.3(ANKRD26):c.3827G>A (p.Arg1276Gln)

Gene: ANKRD26 (ankyrin repeat domain 26; minus strand). Cytogenetic location: 10p12.1.
Variant type: single nucleotide variant.
Coding change: c.3827G>A on transcript NM_014915.3 (MANE Select); coding-DNA position 3827, G replaced by A.
Protein change: p.Arg1276Gln; replaces arginine 1276 with glutamine.
Molecular consequence: missense variant.
Genome position (GRCh38, 1-based): chr10:27,029,337, C>T on the plus strand (G>A on the coding strand, the complement: ANKRD26 is on the minus strand). VCF-style: chr10-27029337-C-T. GRCh37 (hg19) VCF-style: chr10-27318266-C-T.
Other names: c.3824G>A, p.Arg1275Gln (NM_001256053.2); short protein forms R1275Q, R1276Q.
Identifiers: ClinVar variation 2888296 (VCV002888296.4), dbSNP rs768114082, ClinGen allele CA5447925.
Genomic context (GRCh38, chr10:27,029,337, plus strand): 5'-AAATTTTACTTTTGCTTGTGATCTTGCATCTTCTCAGCACATCTGACAGCTTCTGTATGT[C>T]GATCCTGTGCTTCTTGCAACTAAAACAAAGAATAAAAAAAACCCACTTTACTAATAATCT-3'
Protein context (NP_055730.2, residues 1266-1286): IRNQLQEAQD[Arg1276Gln]HTEAVRCAEK